The following is an entry in ClinVar:

NM_001244008.2(KIF1A):c.224G>A (p.Arg75Gln)

Gene: KIF1A (kinesin family member 1A; minus strand). Cytogenetic location: 2q37.3.
Variant type: single nucleotide variant.
Coding change: c.224G>A on transcript NM_001244008.2 (MANE Select); coding-DNA position 224, G replaced by A.
Protein change: p.Arg75Gln; replaces arginine 75 with glutamine.
Molecular consequence: missense variant.
Genome position (GRCh38, 1-based): chr2:240,788,190, C>T on the plus strand (G>A on the coding strand, the complement: KIF1A is on the minus strand). VCF-style: chr2-240788190-C-T. GRCh37 (hg19) VCF-style: chr2-241727607-C-T.
Other names: c.224G>A, p.Arg75Gln (NM_001320705.2, NM_001330289.2, NM_001330290.2 and 21 more transcripts); short protein forms R75Q.
Identifiers: ClinVar variation 2073219 (VCV002073219.12), dbSNP rs1304089588, ClinGen allele CA351310871.

ClinVar aggregate classification (germline): Uncertain significance. Review status: criteria provided, multiple submitters, no conflicts (2 of 4 stars). 2 submissions from 2 submitters: Uncertain significance (2). Last evaluated 2025-08-01.

Conditions:
Neuropathy, hereditary sensory, type 2C. Also called: Hereditary sensory and autonomic neuropathy type IIC; KIF1A-Related HSAN2 (HSAN2C). Identifiers: Orphanet 970, MedGen C3280168, MONDO:0013634, OMIM 614213.
Intellectual disability, autosomal dominant 9 (NESCAVS). Also called: NESCAV SYNDROME; KIF1A-Related Neurodevelopmental Disorder. Identifiers: Orphanet 662367, MedGen C5393830, MONDO:0013656, OMIM 614255.
Hereditary spastic paraplegia 30. Identifiers: Orphanet 101010, MedGen C5235139, MONDO:0012476.

Allele frequency attached by ClinVar (database versions not stated): gnomAD 0.00001; gnomAD exomes 0.00001; TOPMed 0.00002.
gnomAD v4.1: 21 of 1,613,758 alleles (0.0013%); highest among the groups gnomAD compares: Non-Finnish European, 0.0015%; no homozygotes.

Submissions (2):

CeGaT Center for Human Genetics Tuebingen
Classification: Uncertain significance. Last evaluated: 2025-08-01. Review status: criteria provided, single submitter. Criteria: CeGaT Center For Human Genetics Tuebingen Variant Classification Criteria Version 2. Collection method: clinical testing. Allele origin: germline. Affected: yes. Observed: 1 variant allele.
Comment: KIF1A: PM2, PP2, BP4

Labcorp Genetics (formerly Invitae), Labcorp
Classification: Uncertain significance for Hereditary spastic paraplegia 30; Neuropathy, hereditary sensory, type 2C; Intellectual disability, autosomal dominant 9. Last evaluated: 2025-07-14. Review status: criteria provided, single submitter. Criteria: Invitae Variant Classification Sherloc (09022015). Collection method: clinical testing. Allele origin: germline.
Comment: This sequence change replaces arginine, which is basic and polar, with glutamine, which is neutral and polar, at codon 75 of the KIF1A protein (p.Arg75Gln). This variant is present in population databases (no rsID available, gnomAD 0.01%). This variant has not been reported in the literature in individuals affected with KIF1A-related conditions. ClinVar contains an entry for this variant (Variation ID: 2073219). Invitae Evidence Modeling of protein sequence and biophysical properties (such as structural, functional, and spatial information, amino acid conservation, physicochemical variation, residue mobility, and thermodynamic stability) indicates that this missense variant is expected to disrupt KIF1A protein function with a positive predictive value of 95%. In summary, the available evidence is currently insufficient to determine the role of this variant in disease. Therefore, it has been classified as a Variant of Uncertain Significance.